The following is an entry in ClinVar:

ClinVar aggregate classification (germline): Uncertain significance (1 of 4 stars; one submission).

Conditions:
Episodic ataxia type 2 (EA2). Also called: EPISODIC ATAXIA, NYSTAGMUS-ASSOCIATED; ATAXIA, EPISODIC, WITH NYSTAGMUS; ATAXIA, FAMILIAL PAROXYSMAL; CEREBELLAR ATAXIA, PAROXYSMAL, ACETAZOLAMIDE-RESPONSIVE; CEREBELLOPATHY, HEREDITARY PAROXYSMAL; ACETAZOLAMIDE-RESPONSIVE HEREDITARY PAROXYSMAL CEREBELLAR ATAXIA. Identifiers: Orphanet 97, MedGen C1720416, MONDO:0007163, OMIM 108500.
Developmental and epileptic encephalopathy, 42 (DEE42A). Also called: Epileptic encephalopathy, early infantile, 42; DEVELOPMENTAL AND EPILEPTIC ENCEPHALOPATHY 42A; EPILEPTIC ENCEPHALOPATHY, EARLY INFANTILE, 42A. Identifiers: MedGen C4310716, MONDO:0014917, OMIM 617106.

Submission:

Labcorp Genetics (formerly Invitae), Labcorp
Classification: Uncertain significance for Developmental and epileptic encephalopathy, 42; Episodic ataxia type 2. Last evaluated: 2024-08-30. Review status: criteria provided, single submitter. Criteria: Invitae Variant Classification Sherloc (09022015). Collection method: clinical testing. Allele origin: germline.
Comment: This sequence change results in a frameshift in the CACNA1A gene (p.Arg2238Leufs*266). While this is not anticipated to result in nonsense mediated decay, it is expected to disrupt the last 24 amino acid(s) of the CACNA1A protein and extend the protein by 241 additional amino acid residues. This variant is not present in population databases (gnomAD no frequency). This variant has not been reported in the literature in individuals affected with CACNA1A-related conditions. ClinVar contains an entry for this variant (Variation ID: 542826). Experimental studies and prediction algorithms are not available or were not evaluated, and the functional significance of this variant is currently unknown. In summary, the available evidence is currently insufficient to determine the role of this variant in disease. Therefore, it has been classified as a Variant of Uncertain Significance.

NM_001127222.2(CACNA1A):c.6710_6719del (p.Arg2237fs)

Genes: CACNA1A (calcium voltage-gated channel subunit alpha1 A; minus strand), LOC130063717 (ATAC-STARR-seq lymphoblastoid silent region 10203; plus strand). Cytogenetic location: 19p13.13.
Variant type: Deletion.
Coding change: c.6710_6719del on transcript NM_001127222.2 (MANE Select); coding-DNA positions 6710 to 6719, 10 bases deleted (GGGCACGGGC; older notation c.6710_6719delGGGCACGGGC).
Protein change: p.Arg2237fs; shifts the reading frame from arginine 2237.
Molecular consequence: frameshift variant.
Genome position (GRCh38, 1-based): chr19:13,208,817-13,208,826, GCCCGTGCCC deleted on the plus strand (GGGCACGGGC on the coding strand, the reverse complement: CACNA1A is on the minus strand); deleting any 10 consecutive bases within chr19:13,208,817-13,208,827 gives the same sequence; the c. name uses the placement nearest the transcript's 3' end. VCF-style (leftmost placement, unchanged base first): chr19-13208816-AGCCCGTGCCC-A. GRCh37 (hg19) VCF-style: chr19-13319630-AGCCCGTGCCC-A.
Other names: c.6728_6737del, p.Arg2243fs (NM_000068.4, NM_023035.3); c.6713_6722del, p.Arg2238fs (NM_001127221.2); c.6719_6728del, p.Arg2240fs (NM_001174080.2); c.6713_6722delGGGCACGGGC (NM_001127221.1); short protein forms R2240fs, R2237fs, R2238fs, R2243fs.
Identifiers: ClinVar variation 542826 (VCV000542826.11), dbSNP rs1042488847, ClinGen allele CA658799155.